The following is an entry in ClinVar:

ClinVar aggregate classification (germline): Uncertain significance (1 of 4 stars; one submission).

Submission:

Labcorp Genetics (formerly Invitae), Labcorp
Classification: Uncertain significance. Last evaluated: 2025-10-13. Review status: criteria provided, single submitter. Criteria: Invitae Variant Classification Sherloc (09022015). Collection method: clinical testing. Allele origin: germline.
Comment: This sequence change falls in intron 10 of the SH3KBP1 gene. It does not directly change the encoded amino acid sequence of the SH3KBP1 protein. It affects a nucleotide within the consensus splice site. This variant is not present in population databases (gnomAD no frequency). This variant has not been reported in the literature in individuals affected with SH3KBP1-related conditions. Variants that disrupt the consensus splice site are a relatively common cause of aberrant splicing (PMID: 17576681, 9536098). Algorithms developed to predict the effect of sequence changes on RNA splicing suggest that this variant is not likely to affect RNA splicing. In summary, the available evidence is currently insufficient to determine the role of this variant in disease. Therefore, it has been classified as a Variant of Uncertain Significance.

Literature cited by the submitters: PubMed 17576681; PubMed 9536098.

NM_031892.3(SH3KBP1):c.1057+6G>A

Gene: SH3KBP1 (SH3 domain containing kinase binding protein 1; minus strand). Cytogenetic location: Xp22.12.
Variant type: single nucleotide variant.
Coding change: c.1057+6G>A on transcript NM_031892.3 (MANE Select); 6 bases into the intron after coding-DNA position 1057, G replaced by A.
Molecular consequence: intron variant.
Genome position (GRCh38, 1-based): chrX:19,594,943, C>T on the plus strand (G>A on the coding strand, the complement: SH3KBP1 is on the minus strand). VCF-style: chrX-19594943-C-T. GRCh37 (hg19) VCF-style: chrX-19613061-C-T.
Other names: c.1057+6G>A (NM_001353890.2); c.1132+6G>A (NM_001353892.2, NM_001353891.2); c.1189+6G>A (NM_001410757.1, NM_001410756.1); c.955+6G>A (NM_001353894.2, NM_001353893.2); c.1012+6G>A (NM_001353895.2); c.880+6G>A (NM_001410758.1); c.946+6G>A (NM_001024666.3); c.343+6G>A (NM_001353897.2, NM_001184960.2).
Identifiers: ClinVar variation 4725155 (VCV004725155.1).
Genomic context (GRCh38, chrX:19,594,943, plus strand): 5'-GATGATTTGAATATATGCAAAAAGAAAGACGCATATTTTATTTGATGGAACTGAAAGGTA[C>T]ATTACCTGCCCCTTGTTTGATGACAGGAGCGGATGGAGGCGGTGGCTTCTTGGGTCTCTG-3'